The following is an entry in ClinVar:

NM_005359.6(SMAD4):c.1592G>C (p.Arg531Pro)

Gene: SMAD4 (SMAD family member 4; plus strand). Cytogenetic location: 18q21.2.
Variant type: single nucleotide variant.
Coding change: c.1592G>C on transcript NM_005359.6 (MANE Select); coding-DNA position 1592, G replaced by C.
Protein change: p.Arg531Pro; replaces arginine 531 with proline.
Molecular consequence: missense variant.
Genome position (GRCh38, 1-based): chr18:51,078,400, G>C. VCF-style: chr18-51078400-G-C. GRCh37 (hg19) VCF-style: chr18-48604770-G-C.
Other names: c.1592G>C, p.Arg531Pro (NM_001407041.1, NM_001407042.1); short protein forms R531P.
Identifiers: ClinVar variation 1775946 (VCV001775946.3), dbSNP rs1910524938, ClinGen allele CA402466108.

ClinVar aggregate classification (germline): Uncertain significance (1 of 4 stars; one submission).

Conditions:
Familial thoracic aortic aneurysm and aortic dissection (TAAD). Also called: Thoracic aortic aneurysms and dissections. Identifiers: Orphanet 91387, MedGen C4707243, MONDO:0019625.
Hereditary cancer-predisposing syndrome. Also called: Hereditary Cancer Syndrome; Hereditary neoplastic syndrome; Neoplastic Syndromes, Hereditary; Tumor predisposition. Identifiers: Orphanet 140162, MedGen C0027672, MeSH D009386, MONDO:0015356.

Submission:

Ambry Genetics
Classification: Uncertain significance for Hereditary cancer-predisposing syndrome; Familial thoracic aortic aneurysm and aortic dissection. Last evaluated: 2026-06-16. Review status: criteria provided, single submitter. Criteria: Ambry Variant Classification Scheme 2023. Collection method: clinical testing. Allele origin: germline.
Comment: The p.R531P variant (also known as c.1592G>C), located in coding exon 11 of the SMAD4 gene, results from a G to C substitution at nucleotide position 1592. The arginine at codon 531 is replaced by proline, an amino acid with dissimilar properties. This amino acid position is conserved. In addition, this alteration is predicted to be deleterious by in silico analysis. Based on the available evidence, the clinical significance of this variant remains unclear.